The following is an entry in ClinVar:

NM_003872.3(NRP2):c.2425+24A>T

Gene: NRP2 (neuropilin 2; plus strand). Cytogenetic location: 2q33.3.
Variant type: single nucleotide variant.
Coding change: c.2425+24A>T on transcript NM_003872.3 (MANE Select); 24 bases into the intron after coding-DNA position 2425, A replaced by T.
Molecular consequence: intron variant.
Genome position (GRCh38, 1-based): chr2:205,766,827, A>T. VCF-style: chr2-205766827-A-T. GRCh37 (hg19) VCF-style: chr2-206631551-A-T.
Other names: c.2440+9A>T (NM_201266.2, NM_018534.4); c.2425+24A>T (NM_201279.2, NM_201267.2).
Identifiers: ClinVar variation 750432 (VCV000750432.4), dbSNP rs1180835963, ClinGen allele CA539045733.

ClinVar aggregate classification (germline): Likely benign. Review status: criteria provided, single submitter (1 of 4 stars). 2 submissions from 2 submitters: Likely benign (1). 1 of the submissions does not count toward it. Last evaluated 2018-06-19.

Conditions:
NRP2-related disorder. Also called: NRP2-related condition.

Allele frequency attached by ClinVar (database versions not stated): TOPMed below 0.00001; gnomAD exomes 0.00002.
gnomAD v4.1: 22 of 1,609,840 alleles (0.0014%); highest among the groups gnomAD compares: Non-Finnish European, 0.0017%; no homozygotes.

Submissions (2):

Labcorp Genetics (formerly Invitae), Labcorp
Classification: Likely benign. Last evaluated: 2018-06-19. Review status: criteria provided, single submitter. Criteria: Invitae Variant Classification Sherloc (09022015). Collection method: clinical testing. Allele origin: germline.

PreventionGenetics, part of Exact Sciences
Classification: Likely benign for NRP2-related condition. Last evaluated: 2024-03-06. Review status: no assertion criteria provided. Collection method: clinical testing. Allele origin: germline. Not counted in ClinVar's aggregate classification.
Comment: This variant is classified as likely benign based on ACMG/AMP sequence variant interpretation guidelines (Richards et al. 2015 PMID: 25741868, with internal and published modifications).